The following is an entry in ClinVar:

ClinVar aggregate classification (germline): Likely pathogenic (1 of 4 stars; one submission).

Conditions:
Familial hemiplegic migraine. Identifiers: MedGen C0338484, MONDO:0000700.

gnomAD v4.1: 5 of 1,614,162 alleles (0.00031%); highest among the groups gnomAD compares: Non-Finnish European, 0.00025%; no homozygotes.

Submission:

Labcorp Genetics (formerly Invitae), Labcorp
Classification: Likely pathogenic for Familial hemiplegic migraine. Last evaluated: 2025-12-16. Review status: criteria provided, single submitter. Criteria: Invitae Variant Classification Sherloc (09022015). Collection method: clinical testing. Allele origin: germline.
Comment: This sequence change affects an acceptor splice site in intron 17 of the ATP1A2 gene. It is expected to disrupt RNA splicing. Variants that disrupt the donor or acceptor splice site typically lead to a loss of protein function (PMID: 16199547), and loss-of-function variants in ATP1A2 are known to be pathogenic (PMID: 30690204). This variant is not present in population databases (gnomAD no frequency). This variant has not been reported in the literature in individuals affected with ATP1A2-related conditions. Algorithms developed to predict the effect of sequence changes on RNA splicing suggest that this variant may disrupt the consensus splice site. In summary, the currently available evidence indicates that the variant is pathogenic, but additional data are needed to prove that conclusively. Therefore, this variant has been classified as Likely Pathogenic.

Literature cited by the submitters: PubMed 16199547; PubMed 30690204.

NM_000702.4(ATP1A2):c.2440-1G>T

Gene: ATP1A2 (ATPase Na+/K+ transporting subunit alpha 2; plus strand). Cytogenetic location: 1q23.2.
Variant type: single nucleotide variant.
Coding change: c.2440-1G>T on transcript NM_000702.4 (MANE Select); the canonical splice acceptor site of the intron before coding-DNA position 2440, G replaced by T.
Molecular consequence: splice acceptor variant.
Genome position (GRCh38, 1-based): chr1:160,136,246, G>T. VCF-style: chr1-160136246-G-T. GRCh37 (hg19) VCF-style: chr1-160106036-G-T.
Identifiers: ClinVar variation 4809151 (VCV004809151.1).